The following is an entry in ClinVar:

NM_000222.3(KIT):c.2067T>A (p.Phe689Leu)

Gene: KIT (KIT proto-oncogene, receptor tyrosine kinase; plus strand). Cytogenetic location: 4q12.
Variant type: single nucleotide variant.
Coding change: c.2067T>A on transcript NM_000222.3 (MANE Select); coding-DNA position 2067, T replaced by A.
Protein change: p.Phe689Leu; replaces phenylalanine 689 with leucine.
Molecular consequence: missense variant.
Genome position (GRCh38, 1-based): chr4:54,729,411, T>A. VCF-style: chr4-54729411-T-A. GRCh37 (hg19) VCF-style: chr4-55595577-T-A.
Other names: c.2055T>A, p.Phe685Leu (NM_001093772.2, NM_001385286.1); c.2070T>A, p.Phe690Leu (NM_001385284.1, NM_001385290.1); c.2067T>A, p.Phe689Leu (NM_001385285.1); c.2058T>A, p.Phe686Leu (NM_001385288.1, NM_001385292.1); short protein forms F685L, F686L, F689L, F690L.
Identifiers: ClinVar variation 1052021 (VCV001052021.9), dbSNP rs2109786466, ClinGen allele CA356909597.

ClinVar aggregate classification (germline): Uncertain significance (1 of 4 stars; one submission).

Conditions:
Gastrointestinal stromal tumor. Also called: Gastrointestinal stromal tumor, somatic; Gastrointestinal stroma tumor. Identifiers: Orphanet 44890, MedGen C0238198, MeSH D046152, MONDO:0011719, OMIM 606764, HP:0100723.

Submission:

Labcorp Genetics (formerly Invitae), Labcorp
Classification: Uncertain significance for Gastrointestinal stromal tumor. Last evaluated: 2024-07-15. Review status: criteria provided, single submitter. Criteria: Invitae Variant Classification Sherloc (09022015). Collection method: clinical testing. Allele origin: germline.
Comment: This sequence change replaces phenylalanine, which is neutral and non-polar, with leucine, which is neutral and non-polar, at codon 689 of the KIT protein (p.Phe689Leu). This variant is not present in population databases (gnomAD no frequency). This variant has not been reported in the literature in individuals affected with KIT-related conditions. ClinVar contains an entry for this variant (Variation ID: 1052021). An algorithm developed to predict the effect of missense changes on protein structure and function (PolyPhen-2) suggests that this variant is likely to be tolerated. In summary, the available evidence is currently insufficient to determine the role of this variant in disease. Therefore, it has been classified as a Variant of Uncertain Significance.